The following is an entry in ClinVar:

ClinVar aggregate classification (germline): Uncertain significance (1 of 4 stars; one submission).

Conditions:
Multiple acyl-CoA dehydrogenase deficiency (MADD). Also called: Glutaric acidemia type II; GA 2; Glutaric aciduria, type 2; ETHYLMALONIC-ADIPICACIDURIA; GA II; Glutaric Acidemia type 2. Identifiers: Orphanet 26791, MedGen C0268596, MONDO:0009282, OMIM 231680.

Submission:

Labcorp Genetics (formerly Invitae), Labcorp
Classification: Uncertain significance for Multiple acyl-CoA dehydrogenase deficiency. Last evaluated: 2022-06-07. Review status: criteria provided, single submitter. Criteria: Invitae Variant Classification Sherloc (09022015). Collection method: clinical testing. Allele origin: germline.
Comment: This sequence change replaces threonine, which is neutral and polar, with isoleucine, which is neutral and non-polar, at codon 419 of the ETFDH protein (p.Thr419Ile). This variant is not present in population databases (gnomAD no frequency). This variant has not been reported in the literature in individuals affected with ETFDH-related conditions. Advanced modeling of protein sequence and biophysical properties (such as structural, functional, and spatial information, amino acid conservation, physicochemical variation, residue mobility, and thermodynamic stability) performed at Invitae indicates that this missense variant is not expected to disrupt ETFDH protein function. In summary, the available evidence is currently insufficient to determine the role of this variant in disease. Therefore, it has been classified as a Variant of Uncertain Significance.

NM_004453.4(ETFDH):c.1256C>T (p.Thr419Ile)

Gene: ETFDH (electron transfer flavoprotein dehydrogenase; plus strand). Cytogenetic location: 4q32.1.
Variant type: single nucleotide variant.
Coding change: c.1256C>T on transcript NM_004453.4 (MANE Select); coding-DNA position 1256, C replaced by T.
Protein change: p.Thr419Ile; replaces threonine 419 with isoleucine.
Molecular consequence: missense variant.
Genome position (GRCh38, 1-based): chr4:158,703,562, C>T. VCF-style: chr4-158703562-C-T. GRCh37 (hg19) VCF-style: chr4-159624714-C-T.
Other names: c.1115C>T, p.Thr372Ile (NM_001281737.2); c.1073C>T, p.Thr358Ile (NM_001281738.1); short protein forms T358I, T419I, T372I.
Identifiers: ClinVar variation 2002686 (VCV002002686.4), dbSNP rs2476721541, ClinGen allele CA358563062.
Genomic context (GRCh38, chr4:158,703,562, plus strand): 5'-GTACTCACACAGCAATGAAAAGTGGAATTTTAGCAGCAGAATCTATTTTTAATCAACTAA[C>T]TAGTGAAAATCTCCAATCAAAGACAATAGGTAAGAAATTCCTGTGTAAAGTATACAAAAG-3'
Protein context (NP_004444.2, residues 409-429): LAAESIFNQL[Thr419Ile]SENLQSKTIG